The following is an entry in ClinVar:

NM_000264.5(PTCH1):c.1745T>C (p.Val582Ala)

Genes: PTCH1 (patched 1; minus strand), LOC100507346 (uncharacterized LOC100507346; plus strand). Cytogenetic location: 9q22.32.
Variant type: single nucleotide variant.
Coding change: c.1745T>C on transcript NM_000264.5 (MANE Select); coding-DNA position 1745, T replaced by C.
Protein change: p.Val582Ala; replaces valine 582 with alanine.
Molecular consequence: missense variant. On other transcripts: non-coding transcript variant (2).
Genome position (GRCh38, 1-based): chr9:95,469,915, A>G on the plus strand (T>C on the coding strand, the complement: PTCH1 is on the minus strand). VCF-style: chr9-95469915-A-G. GRCh37 (hg19) VCF-style: chr9-98232197-A-G.
Other names: c.1547T>C, p.Val516Ala (NM_001083602.3); c.1742T>C, p.Val581Ala (NM_001083603.3); c.1292T>C, p.Val431Ala (NM_001083604.3, NM_001083605.3, NM_001083606.3 and 1 more transcripts); c.1589T>C, p.Val530Ala (NM_001354918.2); short protein forms V431A, V516A, V530A, V581A, V582A.
Identifiers: ClinVar variation 4809722 (VCV004809722.1).

ClinVar aggregate classification (germline): Uncertain significance (1 of 4 stars; one submission).

Conditions:
Gorlin syndrome. Also called: Basal cell nevus syndrome; Nevoid Basal Cell Carcinoma Syndrome. Identifiers: Orphanet 377, MedGen C0004779, MONDO:0007187.

gnomAD v4.1: 2 of 1,613,828 alleles (0.00012%); highest among the groups gnomAD compares: Non-Finnish European, 0.00017%; no homozygotes.

Submission:

Labcorp Genetics (formerly Invitae), Labcorp
Classification: Uncertain significance for Gorlin syndrome. Last evaluated: 2025-04-20. Review status: criteria provided, single submitter. Criteria: Invitae Variant Classification Sherloc (09022015). Collection method: clinical testing. Allele origin: germline.
Comment: This sequence change replaces valine, which is neutral and non-polar, with alanine, which is neutral and non-polar, at codon 582 of the PTCH1 protein (p.Val582Ala). This variant is not present in population databases (gnomAD no frequency). This variant has not been reported in the literature in individuals affected with PTCH1-related conditions. Invitae Evidence Modeling of protein sequence and biophysical properties (such as structural, functional, and spatial information, amino acid conservation, physicochemical variation, residue mobility, and thermodynamic stability) has been performed for this missense variant. However, the output from this modeling did not meet the statistical confidence thresholds required to predict the impact of this variant on PTCH1 protein function. In summary, the available evidence is currently insufficient to determine the role of this variant in disease. Therefore, it has been classified as a Variant of Uncertain Significance.